The following is an entry in ClinVar:

ClinVar aggregate classification (germline): Uncertain significance (1 of 4 stars; one submission).

Allele frequency attached by ClinVar (database versions not stated): gnomAD 0.00001; gnomAD exomes 0.00001; TOPMed 0.00001; ExAC 0.00002.
gnomAD v4.1: 20 of 1,609,658 alleles (0.0012%); highest among the groups gnomAD compares: African/African-American, 0.0027%; no homozygotes.

Submission:

Labcorp Genetics (formerly Invitae), Labcorp
Classification: Uncertain significance. Last evaluated: 2022-03-10. Review status: criteria provided, single submitter. Criteria: Invitae Variant Classification Sherloc (09022015). Collection method: clinical testing. Allele origin: germline.
Comment: This sequence change replaces serine, which is neutral and polar, with leucine, which is neutral and non-polar, at codon 1607 of the MPDZ protein (p.Ser1607Leu). This variant is present in population databases (rs781048567, gnomAD 0.004%). This variant has not been reported in the literature in individuals affected with MPDZ-related conditions. Algorithms developed to predict the effect of missense changes on protein structure and function (SIFT, PolyPhen-2, Align-GVGD) all suggest that this variant is likely to be disruptive. In summary, the available evidence is currently insufficient to determine the role of this variant in disease. Therefore, it has been classified as a Variant of Uncertain Significance.

NM_001378778.1(MPDZ):c.4820C>T (p.Ser1607Leu)

Gene: MPDZ (multiple PDZ domain crumbs cell polarity complex component; minus strand). Cytogenetic location: 9p23.
Variant type: single nucleotide variant.
Coding change: c.4820C>T on transcript NM_001378778.1 (MANE Select); coding-DNA position 4820, C replaced by T.
Protein change: p.Ser1607Leu; replaces serine 1607 with leucine.
Molecular consequence: missense variant.
Genome position (GRCh38, 1-based): chr9:13,123,286, G>A on the plus strand (C>T on the coding strand, the complement: MPDZ is on the minus strand). VCF-style: chr9-13123286-G-A. GRCh37 (hg19) VCF-style: chr9-13123285-G-A.
Other names: c.4721C>T, p.Ser1574Leu (NM_001261406.2, NM_001261407.2, NM_001375416.1 and 3 more transcripts); c.4820C>T, p.Ser1607Leu (NM_001330637.2, NM_003829.5); c.4919C>T, p.Ser1640Leu (NM_001375413.1); c.4610C>T, p.Ser1537Leu (NM_001375420.1, NM_001375421.1, NM_001375422.1 and 4 more transcripts); c.4412C>T, p.Ser1471Leu (NM_001375427.1); short protein forms S1574L, S1607L, S1537L, S1471L, S1640L.
Identifiers: ClinVar variation 1489733 (VCV001489733.3), dbSNP rs781048567, ClinGen allele CA4986552.
Genomic context (GRCh38, chr9:13,123,286, plus strand): 5'-TCGCAGCCAGGGATAATGGGGCAGGTTGCAGGATCAGAAGCAAAAATTGCTGGTGTTGAT[G>A]ATCTGCTTGTATCTAAAAATAAGTTAAAAATGAAATACAAATAAAAATTGGTTACTAAGG-3'
Protein context (NP_001365707.1, residues 1597-1617): EPESIRNTSR[Ser1607Leu]STPAIFASDP